The following is an entry in ClinVar:

NM_003628.6(PKP4):c.933A>T (p.Arg311Ser)

Gene: PKP4 (plakophilin 4; plus strand). Cytogenetic location: 2q24.1.
Variant type: single nucleotide variant.
Coding change: c.933A>T on transcript NM_003628.6 (MANE Select); coding-DNA position 933, A replaced by T.
Protein change: p.Arg311Ser; replaces arginine 311 with serine.
Molecular consequence: missense variant. On other transcripts: 5 prime UTR variant (1).
Genome position (GRCh38, 1-based): chr2:158,625,207, A>T. VCF-style: chr2-158625207-A-T. GRCh37 (hg19) VCF-style: chr2-159481719-A-T.
Other names: c.933A>T, p.Arg311Ser (NM_001005476.4, NM_001304969.3, NM_001304971.2 and 6 more transcripts); c.-94A>T (NM_001304970.3); c.927A>T, p.Arg309Ser (NM_001377222.1, NM_001377223.1, NM_001377224.1); short protein forms R309S, R311S.
Identifiers: ClinVar variation 3419558 (VCV003419558.1).
Genomic context (GRCh38, chr2:158,625,207, plus strand): 5'-CACCTCCCGGCAGACCTCCAATCCCAACGGACCAACCCCTCAATACCAAACCACCGCCAG[A>T]GTGGGGTCCCCACTGACCCTGACGGATGCACAGACTCGAGTAGCTTCCCCATCCCAAGGC-3'
Protein context (NP_003619.2, residues 301-321): GPTPQYQTTA[Arg311Ser]VGSPLTLTDA

ClinVar aggregate classification (germline): Uncertain significance (1 of 4 stars; one submission).

gnomAD v4.1: 7 of 1,614,132 alleles (0.00043%); highest among the groups gnomAD compares: Non-Finnish European, 0.00059%; no homozygotes.

Submission:

Ambry Genetics
Classification: Uncertain significance. Last evaluated: 2024-07-28. Review status: criteria provided, single submitter. Criteria: Ambry Variant Classification Scheme 2023. Collection method: clinical testing. Allele origin: germline.
Comment: The p.R311S variant (also known as c.933A>T), located in coding exon 6 of the PKP4 gene, results from an A to T substitution at nucleotide position 933. The arginine at codon 311 is replaced by serine, an amino acid with dissimilar properties. This amino acid position is conserved. In addition, this alteration is predicted to be deleterious by in silico analysis. Based on the available evidence, the clinical significance of this variant remains unclear.